The following is an entry in ClinVar:

NM_000503.6(EYA1):c.1200-2A>G

Gene: EYA1 (EYA transcriptional coactivator and phosphatase 1; minus strand). Cytogenetic location: 8q13.3.
Variant type: single nucleotide variant.
Coding change: c.1200-2A>G on transcript NM_000503.6 (MANE Select); the canonical splice acceptor site of the intron before coding-DNA position 1200, A replaced by G.
Molecular consequence: splice acceptor variant.
Genome position (GRCh38, 1-based): chr8:71,216,854, T>C on the plus strand (A>G on the coding strand, the complement: EYA1 is on the minus strand). VCF-style: chr8-71216854-T-C. GRCh37 (hg19) VCF-style: chr8-72129089-T-C.
Other names: c.1200-2A>G (NM_001370335.1, NM_001370334.1, NM_172058.4); c.1182-2A>G (NM_172059.5, NM_001288574.2); c.1101-2A>G (NM_001411797.1, NM_172060.4); c.834-2A>G (NM_001288575.2); c.1179-2A>G (NM_001370336.1); c.1287-2A>G (NM_001370333.1).
Identifiers: ClinVar variation 3654305 (VCV003654305.2).

ClinVar aggregate classification (germline): Pathogenic (1 of 4 stars; one submission).

Conditions:
Melnick-Fraser syndrome (BOR). Also called: Branchiootorenal syndrome; Branchio-oto-renal syndrome; Branchiootorenal Syndrome (BORS). Identifiers: Orphanet 107, MedGen C0265234, MONDO:0007029.

Submission:

Labcorp Genetics (formerly Invitae), Labcorp
Classification: Pathogenic for Melnick-Fraser syndrome. Last evaluated: 2024-05-29. Review status: criteria provided, single submitter. Criteria: Invitae Variant Classification Sherloc (09022015). Collection method: clinical testing. Allele origin: germline.
Comment: This sequence change affects an acceptor splice site in intron 13 of the EYA1 gene. It is expected to disrupt RNA splicing. Variants that disrupt the donor or acceptor splice site typically lead to a loss of protein function (PMID: 16199547), and loss-of-function variants in EYA1 are known to be pathogenic (PMID: 10464653, 18220287). This variant is not present in population databases (gnomAD no frequency). Disruption of this splice site has been observed in individual(s) with branchiootorenal syndrome (Invitae). It has also been observed to segregate with disease in related individuals. Algorithms developed to predict the effect of sequence changes on RNA splicing suggest that this variant may disrupt the consensus splice site. For these reasons, this variant has been classified as Pathogenic.

Literature cited by the submitters: PubMed 16199547; PubMed 10464653; PubMed 18220287.